The following is an entry in ClinVar:

NM_000018.4(ACADVL):c.1144A>C (p.Lys382Gln)

Gene: ACADVL (acyl-CoA dehydrogenase very long chain; plus strand). Cytogenetic location: 17p13.1.
Variant type: single nucleotide variant.
Coding change: c.1144A>C on transcript NM_000018.4 (MANE Select); coding-DNA position 1144, A replaced by C.
Protein change: p.Lys382Gln; replaces lysine 382 with glutamine.
Molecular consequence: missense variant.
Genome position (GRCh38, 1-based): chr17:7,223,199, A>C. VCF-style: chr17-7223199-A-C. GRCh37 (hg19) VCF-style: chr17-7126518-A-C.
Other names: NM_000018.4(ACADVL):c.1144A>C; c.1078A>C, p.Lys360Gln (NM_001033859.3); c.1213A>C, p.Lys405Gln (NM_001270447.2); c.916A>C, p.Lys306Gln (NM_001270448.2); short protein forms K382Q, K360Q, K306Q, K405Q.
Identifiers: ClinVar variation 1628 (VCV000001628.17), dbSNP rs118204015, ClinGen allele CA251906.

ClinVar aggregate classification (germline): Likely pathogenic. Review status: reviewed by expert panel (3 of 4 stars). 6 submissions from 6 submitters: Likely pathogenic (1). 5 of the submissions do not count toward it. Last evaluated 2022-12-15.

Conditions:
Very long chain acyl-CoA dehydrogenase deficiency (ACADVLD). Also called: VLCAD Deficiency; Very Long-Chain Acyl-Coenzyme A Dehydrogenase Deficiency. Identifiers: Orphanet 26793, MedGen C3887523, MONDO:0008723, OMIM 201475.

Allele frequency attached by ClinVar (database versions not stated): gnomAD exomes below 0.00001; gnomAD 0.00001.
gnomAD v4.1: 3 of 1,613,956 alleles (0.00019%); highest among the groups gnomAD compares: East Asian, 0.0067%; no homozygotes.

Submissions (6):

ClinGen ACADVL Variant Curation Expert Panel, ClinGen
Classification: Likely pathogenic for Very long chain acyl-CoA dehydrogenase deficiency. Last evaluated: 2022-12-15. Review status: reviewed by expert panel. Criteria: clingen acadvl acmg specifications v1. Collection method: curation. Allele origin: germline. Inheritance: Autosomal recessive inheritance.
Comment: The NM_000018.4(ACADVL):c.1144A>C (p.Lys382Gln) variant in ACADVL is a missense variant predicted to cause substitution of lysine by glutamine at amino acid 382. The highest population minor allele frequency in gnomAD v 2.1.1 is 0.00005 in East Asian population (one allele), which is lower than the ClinGen ACADVL Variant Curation Expert Panel threshold (<0.001) for PM2_ Supporting, meeting this criterion (PM2_Supporting). This variant has been detected in an individual with very long chain acyl CoA dehydrogenase (VLCAD) deficiency, who was compound heterozygous for the variant and a pathogenic variant confirmed in trans by molecular subcloning (PM3, PMID: 8554073). The reported patient with this variant displayed reduced enzyme activities, which is highly specific for the disorder (PP4_Moderate, PMID: 7769092). VLCAD enzyme activity assay in CHO cells showed 19% activity with appropriate controls indicating that this variant impacts protein function (PS3_Supporting, PMID: 8554073). This variant resides within a region, p.382, of ACADVL that is defined as a critical functional domain for FAD binding and salt-bridge interactions by the ClinGen ACADVL VCEP (PM1; PMID: 20060901). The computational predictor REVEL gives a score of 0.95, which is above the threshold of 0.75, evidence that correlates with impact to ACADVL function (PP3). In summary this variant meets the criteria to be classified as likely pathogenic for autosomal recessive very long chain acyl CoA dehydrogenase (VLCAD) deficiency based on ACMG/AMP criteria applied, as specified by the ClinGen ACADVL Variant Curation Expert Panel (PM1, PM3, PP3, PM2_Supporting, PS3_Supporting, PP4_Moderate).

Myriad Genetics, Inc.
Classification: Likely pathogenic for Very long chain acyl-CoA dehydrogenase deficiency. Last evaluated: 2025-04-18. Review status: criteria provided, single submitter. Criteria: Myriad Autosomal Dominant, Autosomal Recessive and X-Linked Classification Criteria (2023). Collection method: clinical testing. Allele origin: unknown. Not counted in ClinVar's aggregate classification.
Comment: NM_000018.3(ACADVL):c.1144A>C(K382Q) is a missense variant classified as likely pathogenic in the context of very-long-chain acyl-CoA dehydrogenase deficiency. K382Q has been observed in cases with relevant disease (PMID: 15210884, 31497477). Relevant functional assessments of this variant are available in the literature (PMID: 8554073). K382Q has been observed in referenced population frequency databases. . Please note: this variant was assessed in the context of healthy population screening.

Baylor Genetics
Classification: Pathogenic for Very long chain acyl-CoA dehydrogenase deficiency. Last evaluated: 2024-03-17. Review status: criteria provided, single submitter. Criteria: ACMG Guidelines, 2015. Collection method: clinical testing. Allele origin: unknown. Not counted in ClinVar's aggregate classification.

Labcorp Genetics (formerly Invitae), Labcorp
Classification: Pathogenic for Very long chain acyl-CoA dehydrogenase deficiency. Last evaluated: 2022-05-27. Review status: criteria provided, single submitter. Criteria: Invitae Variant Classification Sherloc (09022015). Collection method: clinical testing. Allele origin: germline. Not counted in ClinVar's aggregate classification.
Comment: This sequence change replaces lysine, which is basic and polar, with glutamine, which is neutral and polar, at codon 382 of the ACADVL protein (p.Lys382Gln). This variant is present in population databases (rs118204015, gnomAD 0.006%). This missense change has been observed in individual(s) with very long-chain acyl-CoA dehydrogenase deficiency (PMID: 8554073, 20060901, 29552494, 31497477). ClinVar contains an entry for this variant (Variation ID: 1628). Algorithms developed to predict the effect of missense changes on protein structure and function (SIFT, PolyPhen-2, Align-GVGD) all suggest that this variant is likely to be disruptive. Experimental studies have shown that this missense change affects ACADVL function (PMID: 8554073). For these reasons, this variant has been classified as Pathogenic.

Natera, Inc.
Classification: Pathogenic for Very long chain acyl-CoA dehydrogenase deficiency. Last evaluated: 2020-08-04. Review status: no assertion criteria provided. Collection method: clinical testing. Allele origin: germline. Not counted in ClinVar's aggregate classification.

OMIM
Classification: Pathogenic for VLCAD DEFICIENCY. Last evaluated: 1996-01-01. Review status: no assertion criteria provided. Collection method: literature only. Allele origin: germline. Not counted in ClinVar's aggregate classification.

Literature cited by the submitters: PubMed 15210884 (cited by Myriad Genetics, Inc.); PubMed 31497477 (cited by Myriad Genetics, Inc. and Labcorp Genetics (formerly Invitae), Labcorp); PubMed 8554073 (cited by 3 submitters); PubMed 20060901 (cited by Labcorp Genetics (formerly Invitae), Labcorp); PubMed 29552494 (cited by Labcorp Genetics (formerly Invitae), Labcorp).